The following is an entry in ClinVar:

NM_003072.5(SMARCA4):c.1246-2_1246del

Gene: SMARCA4 (SWI/SNF related BAF chromatin remodeling complex subunit ATPase 4; plus strand). Cytogenetic location: 19p13.2.
Variant type: Deletion.
Coding change: c.1246-2_1246del on transcript NM_003072.5 (MANE Select); the canonical splice acceptor site of the intron before coding-DNA position 1246 through coding-DNA position 1246, 3 bases deleted (AGC; older notation c.1246-2_1246delAGC).
Molecular consequence: splice acceptor variant.
Genome position (GRCh38, 1-based): chr19:10,991,148-10,991,150, AGC deleted; deleting any 3 consecutive bases within chr19:10,991,147-10,991,150 gives the same sequence; the c. name uses the placement nearest the transcript's 3' end. VCF-style (leftmost placement, unchanged base first): chr19-10991146-ACAG-A. GRCh37 (hg19) VCF-style: chr19-11101822-ACAG-A.
Other names: c.1246-2_1246del (NM_001128844.3, NM_001128849.3, NM_001128847.4 and 6 more transcripts).
Identifiers: ClinVar variation 4549604 (VCV004549604.3).
Genomic context (GRCh38, chr19:10,991,146, plus strand): 5'-TGTTTGTCATTGTGGATGCCACAGAGCTGTGCAGTGCGCGGGCTTGTCCTCTTCCCTCCT[ACAG>A]CTGCGCCAGGAGGTGGTGGTGTGCATGCGGAGGGACACAGCGCTGGAGACAGCCCTCAAT-3'

ClinVar aggregate classification (germline): Likely pathogenic. Review status: criteria provided, multiple submitters, no conflicts (2 of 4 stars). 2 submissions from 2 submitters: Likely pathogenic (2). Last evaluated 2026-01-28.

Conditions:
Rhabdoid tumor predisposition syndrome 2 (RTPS2). Identifiers: Orphanet 231108, Orphanet 69077, MedGen C2750074, MONDO:0013224, OMIM 613325.
Hereditary cancer-predisposing syndrome. Also called: Neoplastic Syndromes, Hereditary; Tumor predisposition; Hereditary Cancer Syndrome; Hereditary neoplastic syndrome. Identifiers: Orphanet 140162, MedGen C0027672, MeSH D009386, MONDO:0015356.

Submissions (2):

Ambry Genetics
Classification: Likely pathogenic for Hereditary cancer-predisposing syndrome. Last evaluated: 2026-01-28. Review status: criteria provided, single submitter. Criteria: Ambry Variant Classification Scheme 2023. Collection method: clinical testing. Allele origin: germline.
Comment: The c.1246-2_1246delAGC variant results from a deletion of three nucleotides between positions c.1246-2 and c.1246 and involves the canonical splice acceptor site before coding exon 7 of the SMARCA4 gene. This variant was reported in individual(s) with features consistent with rhabdoid tumor predisposition syndrome (Ambry internal data). Alterations that disrupt the canonical splice site are expected to result in aberrant splicing. In silico splice site analysis predicts that this alteration will weaken the native splice acceptor site and will result in the creation or strengthening of a novel splice acceptor site. RNA studies have demonstrated that this variant results in abnormal splicing in the set of samples tested (Ambry internal data). This variant is considered to be rare based on population cohorts in the Genome Aggregation Database (gnomAD). Based on the supporting evidence, this variant is likely pathogenic for rhabdoid tumor predisposition syndrome; however, the association of this variant with Coffin-Siris syndrome is unlikely.

Institute for Genomic Medicine (IGM) Clinical Laboratory, Nationwide Children's Hospital
Classification: Likely pathogenic for Rhabdoid tumor predisposition syndrome 2. Last evaluated: 2025-05-21. Review status: criteria provided, single submitter. Criteria: ACMG Guidelines, 2015. Collection method: clinical testing. Allele origin: germline.
Comment: This variant is predicted to result in loss of function through nonsense-mediated decay of the encoded transcript or premature truncation of the encoded protein in a gene in which loss of function is a known mechanism of disease (ACMG/AMP: PVS1). This variant is absent from or present at an exceedingly low frequency in gnomAD, a large-scale control population database (ACMG/AMP: PM2).